The following is an entry in ClinVar:

ClinVar aggregate classification (germline): Pathogenic (1 of 4 stars; one submission).

Conditions:
Cystic fibrosis (CF). Also called: MUCOVISCIDOSIS. Identifiers: Orphanet 586, MedGen C0010674, MONDO:0009061, OMIM 219700. Disease mechanism: loss of function.

Submission:

Labcorp Genetics (formerly Invitae), Labcorp
Classification: Pathogenic for Cystic fibrosis. Last evaluated: 2023-07-13. Review status: criteria provided, single submitter. Criteria: Invitae Variant Classification Sherloc (09022015). Collection method: clinical testing. Allele origin: germline.
Comment: For these reasons, this variant has been classified as Pathogenic. This variant has not been reported in the literature in individuals affected with CFTR-related conditions. This variant is not present in population databases (gnomAD no frequency). This sequence change creates a premature translational stop signal (p.Gln270Hisfs*15) in the CFTR gene. It is expected to result in an absent or disrupted protein product. Loss-of-function variants in CFTR are known to be pathogenic (PMID: 1695717, 7691345, 9725922).

Literature cited by the submitters: PubMed 1695717; PubMed 7691345; PubMed 9725922.

NM_000492.4(CFTR):c.810del (p.Gln270fs)

Gene: CFTR (CF transmembrane conductance regulator; plus strand). Cytogenetic location: 7q31.2.
Variant type: Deletion.
Coding change: c.810del on transcript NM_000492.4 (MANE Select); coding-DNA position 810, one base deleted (A; older notation c.810delA).
Protein change: p.Gln270fs; shifts the reading frame from glutamine 270.
Molecular consequence: frameshift variant.
Genome position (GRCh38, 1-based): chr7:117,536,614, A deleted; the last of 2 consecutive A bases (chr7:117,536,613-117,536,614); deleting either gives the same sequence. VCF-style (leftmost placement, unchanged base first): chr7-117536612-CA-C. GRCh37 (hg19) VCF-style: chr7-117176666-CA-C.
Other names: short protein forms Q270fs.
Identifiers: ClinVar variation 2742900 (VCV002742900.3), dbSNP rs2485020327, ClinGen allele CA2697557574.